The following is an entry in ClinVar:

NM_000051.4(ATM):c.551G>A (p.Arg184Lys)

Gene: ATM (ATM serine/threonine kinase; plus strand). Cytogenetic location: 11q22.3.
Variant type: single nucleotide variant.
Coding change: c.551G>A on transcript NM_000051.4 (MANE Select); coding-DNA position 551, G replaced by A.
Protein change: p.Arg184Lys; replaces arginine 184 with lysine.
Molecular consequence: missense variant.
Genome position (GRCh38, 1-based): chr11:108,244,007, G>A. VCF-style: chr11-108244007-G-A. GRCh37 (hg19) VCF-style: chr11-108114734-G-A.
Other names: c.551G>A, p.Arg184Lys (NM_001351834.2); short protein forms R184K.
Identifiers: ClinVar variation 1407312 (VCV001407312.6), dbSNP rs2135223542, ClinGen allele CA382527703.

ClinVar aggregate classification (germline): Uncertain significance (1 of 4 stars; one submission).

Conditions:
Ataxia-telangiectasia syndrome (AT). Also called: Ataxia-telangiectasia, complementation group D; AT, COMPLEMENTATION GROUP C; Ataxia-telangiectasia; Ataxia telangiectasia (A-T); Ataxia-telangiectasia, complementation group E; Cerebello-oculocutaneous telangiectasia. Identifiers: Orphanet 100, MedGen C0004135, MONDO:0008840, OMIM 208900.

Submission:

Labcorp Genetics (formerly Invitae), Labcorp
Classification: Uncertain significance for Ataxia-telangiectasia syndrome. Last evaluated: 2023-04-21. Review status: criteria provided, single submitter. Criteria: Invitae Variant Classification Sherloc (09022015). Collection method: clinical testing. Allele origin: germline.
Comment: In summary, the available evidence is currently insufficient to determine the role of this variant in disease. Therefore, it has been classified as a Variant of Uncertain Significance. An algorithm developed to predict the effect of missense changes on protein structure and function (PolyPhen-2) suggests that this variant¬† is likely to be tolerated. ClinVar contains an entry for this variant (Variation ID: 1407312). This variant has not been reported in the literature in individuals affected with ATM-related conditions. This variant is not present in population databases (gnomAD no frequency). This sequence change replaces arginine, which is basic and polar, with lysine, which is basic and polar, at codon 184 of the ATM protein (p.Arg184Lys).